The following is an entry in ClinVar:

NM_007294.4(BRCA1):c.168A>C (p.Lys56Asn)

Gene: BRCA1 (BRCA1 DNA repair associated; minus strand). Cytogenetic location: 17q21.31.
Variant type: single nucleotide variant.
Coding change: c.168A>C on transcript NM_007294.4 (MANE Select); coding-DNA position 168, A replaced by C.
Protein change: p.Lys56Asn; replaces lysine 56 with asparagine.
Molecular consequence: missense variant. On other transcripts: non-coding transcript variant (1).
Genome position (GRCh38, 1-based): chr17:43,106,500, T>G on the plus strand (A>C on the coding strand, the complement: BRCA1 is on the minus strand). VCF-style: chr17-43106500-T-G. GRCh37 (hg19) VCF-style: chr17-41258517-T-G.
Other names: c.-21A>C (NM_001407571.1, NM_001407853.1, NM_001407879.1 and 58 more transcripts); c.168A>C, p.Lys56Asn (NM_001407581.1, NM_001407582.1, NM_001407583.1 and 168 more transcripts); c.27A>C, p.Lys9Asn (NM_001407692.1, NM_001407694.1, NM_001407695.1 and 99 more transcripts); short protein forms K56N, K9N.
Identifiers: ClinVar variation 867910 (VCV000867910.3), dbSNP rs397508898, ClinGen allele CA10601819.

Conditions:
Breast-ovarian cancer, familial, susceptibility to, 1 (BROVCA1). Also called: BRCA1 Hereditary Breast and Ovarian Cancer; OVARIAN CANCER, SUSCEPTIBILITY TO. Identifiers: Orphanet 145, MedGen C2676676, MONDO:0011450, OMIM 604370. Disease mechanism: loss of function.

Submission:

Brotman Baty Institute, University of Washington
No classification provided (evidence only). Condition: Breast-ovarian cancer, familial 1. Review status: no classification provided. Collection method: in vitro. Allele origin: not applicable. Functional consequence: functionally_normal.
ClinVar note: "not provided" was previously submitted as the classification for the variant. However, the classification appeared to be based only on an observation of functional data so it was converted to no classification on 2025-07-30.